The following is an entry in ClinVar:

ClinVar aggregate classification (germline): Uncertain significance (1 of 4 stars; one submission).

Conditions:
Inborn genetic diseases. Identifiers: MedGen C0950123, MeSH D030342.

gnomAD v4.1: 2 of 1,614,096 alleles (0.00012%); highest among the groups gnomAD compares: Non-Finnish European, 0.00017%; no homozygotes.

Submission:

Ambry Genetics
Classification: Uncertain significance for Inborn genetic diseases. Last evaluated: 2023-11-03. Review status: criteria provided, single submitter. Criteria: Ambry Variant Classification Scheme 2023. Collection method: clinical testing. Allele origin: germline.
Comment: The p.D533A variant (also known as c.1598A>C), located in coding exon 17 of the ERCC2 gene, results from an A to C substitution at nucleotide position 1598. The aspartic acid at codon 533 is replaced by alanine, an amino acid with dissimilar properties. This amino acid position is conserved. In addition, this alteration is predicted to be deleterious by in silico analysis. Since supporting evidence is limited at this time, the clinical significance of this alteration remains unclear.

NM_000400.4(ERCC2):c.1598A>C (p.Asp533Ala)

Gene: ERCC2 (ERCC excision repair 2, TFIIH core complex helicase subunit; minus strand). Cytogenetic location: 19q13.32.
Variant type: single nucleotide variant.
Coding change: c.1598A>C on transcript NM_000400.4 (MANE Select); coding-DNA position 1598, A replaced by C.
Protein change: p.Asp533Ala; replaces aspartic acid 533 with alanine.
Molecular consequence: missense variant.
Genome position (GRCh38, 1-based): chr19:45,354,797, T>G on the plus strand (A>C on the coding strand, the complement: ERCC2 is on the minus strand). VCF-style: chr19-45354797-T-G. GRCh37 (hg19) VCF-style: chr19-45858055-T-G.
Other names: short protein forms D533A.
Identifiers: ClinVar variation 3231653 (VCV003231653.1), dbSNP rs2514006265, ClinGen allele CA406365420.